The following is an entry in ClinVar:

NM_020638.3(FGF23):c.529C>A (p.His177Asn)

Gene: FGF23 (fibroblast growth factor 23; minus strand). Cytogenetic location: 12p13.32.
Variant type: single nucleotide variant.
Coding change: c.529C>A on transcript NM_020638.3 (MANE Select); coding-DNA position 529, C replaced by A.
Protein change: p.His177Asn; replaces histidine 177 with asparagine.
Molecular consequence: missense variant.
Genome position (GRCh38, 1-based): chr12:4,370,570, G>T on the plus strand (C>A on the coding strand, the complement: FGF23 is on the minus strand). VCF-style: chr12-4370570-G-T. GRCh37 (hg19) VCF-style: chr12-4479736-G-T.
Other names: short protein forms H177N.
Identifiers: ClinVar variation 2900281 (VCV002900281.4), dbSNP rs149058834, ClinGen allele CA6395664.

ClinVar aggregate classification (germline): Uncertain significance. Review status: criteria provided, multiple submitters, no conflicts (2 of 4 stars). 2 submissions from 2 submitters: Uncertain significance (2). Last evaluated 2025-06-19.

Conditions:
Autosomal dominant hypophosphatemic rickets (ADHR). Also called: HYPOPHOSPHATEMIA, AUTOSOMAL DOMINANT; VITAMIN D-RESISTANT RICKETS, AUTOSOMAL DOMINANT. Identifiers: Orphanet 89937, MedGen C0342642, MONDO:0008660, OMIM 193100.
Tumoral calcinosis, hyperphosphatemic, familial, 2. Identifiers: MedGen C4693863, MONDO:0060714, OMIM 617993.

Allele frequency attached by ClinVar (database versions not stated): ExAC 0.00008; gnomAD 0.00015; TOPMed 0.00016; 1000 Genomes Project 30x 0.00031; ESP Exome Variant Server 0.00031; 1000 Genomes Project 0.00040.

Submissions (2):

Labcorp Genetics (formerly Invitae), Labcorp
Classification: Uncertain significance. Last evaluated: 2025-06-19. Review status: criteria provided, single submitter. Criteria: Invitae Variant Classification Sherloc (09022015). Collection method: clinical testing. Allele origin: germline.
Comment: This sequence change replaces histidine, which is basic and polar, with asparagine, which is neutral and polar, at codon 177 of the FGF23 protein (p.His177Asn). This variant is present in population databases (rs149058834, gnomAD 0.08%). This variant has not been reported in the literature in individuals affected with FGF23-related conditions. ClinVar contains an entry for this variant (Variation ID: 2900281). Invitae Evidence Modeling of protein sequence and biophysical properties (such as structural, functional, and spatial information, amino acid conservation, physicochemical variation, residue mobility, and thermodynamic stability) has been performed for this missense variant. However, the output from this modeling did not meet the statistical confidence thresholds required to predict the impact of this variant on FGF23 protein function. In summary, the available evidence is currently insufficient to determine the role of this variant in disease. Therefore, it has been classified as a Variant of Uncertain Significance.

Fulgent Genetics
Classification: Uncertain significance for Autosomal dominant hypophosphatemic rickets; Tumoral calcinosis, hyperphosphatemic, familial, 2. Last evaluated: 2024-02-23. Review status: criteria provided, single submitter. Criteria: ACMG Guidelines, 2015. Collection method: clinical testing. Allele origin: germline.